The following is an entry in ClinVar:

ClinVar aggregate classification (germline): Likely pathogenic (1 of 4 stars; one submission).

Submission:

GeneDx
Classification: Likely pathogenic. Last evaluated: 2022-10-11. Review status: criteria provided, single submitter. Criteria: GeneDx Variant Classification Process June 2021. Collection method: clinical testing. Allele origin: germline. Affected: yes.
Comment: Frameshift variant predicted to result in protein truncation or nonsense mediated decay in a gene for which loss of function is a known mechanism of disease; Not observed at significant frequency in large population cohorts (gnomAD); Has not been previously published as pathogenic or benign to our knowledge

NM_003560.4(PLA2G6):c.1896_1897dup (p.Ala633fs)

Gene: PLA2G6 (phospholipase A2 group VI; minus strand). Cytogenetic location: 22q13.1.
Variant type: Duplication.
Coding change: c.1896_1897dup on transcript NM_003560.4 (MANE Select); coding-DNA positions 1896 to 1897, 2 bases duplicated (GG; older notation c.1896_1897dupGG).
Protein change: p.Ala633fs; shifts the reading frame from alanine 633.
Molecular consequence: frameshift variant.
Genome position (GRCh38, 1-based): chr22:38,115,664-38,115,665, CC duplicated on the plus strand (GG on the coding strand, the reverse complement: PLA2G6 is on the minus strand); duplicating any 2 consecutive bases within chr22:38,115,664-38,115,666 gives the same sequence; the c. name uses the placement nearest the transcript's 3' end. VCF-style (leftmost placement, unchanged base first): chr22-38115663-G-GCC. GRCh37 (hg19) VCF-style: chr22-38511670-G-GCC.
Other names: c.1734_1735dup, p.Ala579fs (NM_001004426.3, NM_001199562.3, NM_001349865.2 and 1 more transcripts); c.1896_1897dup, p.Ala633fs (NM_001349864.2); c.1362_1363dup, p.Ala455fs (NM_001349867.2); c.1218_1219dup, p.Ala407fs (NM_001349868.2); c.1200_1201dup, p.Ala401fs (NM_001349869.2); short protein forms A401fs, A407fs, A455fs, A579fs, A633fs.
Identifiers: ClinVar variation 2499307 (VCV002499307.1), dbSNP rs2517927461, ClinGen allele CA2580099775.
Genomic context (GRCh38, chr22:38,115,663, plus strand): 5'-CCGTCCAGGAAGCGCCCATTGGGTCGGAAGTAAGTAGGAGCTGCCCCGCTGCTTCGGGCC[G>GCC]CCCGCCACACCAGCTGGTCTAGGGGCGGGGAAGGAGGGCGGCCCAGTGGCACAAGGGACT-3'